The following is an entry in ClinVar:

NM_033310.3(KCNK4):c.829A>G (p.Ser277Gly)

Genes: KCNK4 (potassium two pore domain channel subfamily K member 4; plus strand), KCNK4-CATSPERZ (KCNK4-CATSPERZ readthrough (NMD candidate); plus strand). Cytogenetic location: 11q13.1.
Variant type: single nucleotide variant.
Coding change: c.829A>G on transcript NM_033310.3 (MANE Select); coding-DNA position 829, A replaced by G.
Protein change: p.Ser277Gly; replaces serine 277 with glycine.
Molecular consequence: missense variant. On other transcripts: non-coding transcript variant (3).
Genome position (GRCh38, 1-based): chr11:64,299,373, A>G. VCF-style: chr11-64299373-A-G. GRCh37 (hg19) VCF-style: chr11-64066845-A-G.
Other names: c.829A>G, p.Ser277Gly (NM_001317090.2); short protein forms S277G.
Identifiers: ClinVar variation 3644602 (VCV003644602.2).

ClinVar aggregate classification (germline): Uncertain significance (1 of 4 stars; one submission).

Submission:

Labcorp Genetics (formerly Invitae), Labcorp
Classification: Uncertain significance. Last evaluated: 2024-03-08. Review status: criteria provided, single submitter. Criteria: Invitae Variant Classification Sherloc (09022015). Collection method: clinical testing. Allele origin: germline.
Comment: This sequence change replaces serine, which is neutral and polar, with glycine, which is neutral and non-polar, at codon 277 of the KCNK4 protein (p.Ser277Gly). This variant is not present in population databases (gnomAD no frequency). This variant has not been reported in the literature in individuals affected with KCNK4-related conditions. An algorithm developed to predict the effect of missense changes on protein structure and function (PolyPhen-2) suggests that this variant is likely to be disruptive. In summary, the available evidence is currently insufficient to determine the role of this variant in disease. Therefore, it has been classified as a Variant of Uncertain Significance.